The following is an entry in ClinVar:

ClinVar aggregate classification (germline): Uncertain significance (1 of 4 stars; one submission).

gnomAD v4.1: 8 of 1,612,554 alleles (0.0005%); highest among the groups gnomAD compares: Non-Finnish European, 0.00051%; 1 homozygote.

Submission:

Labcorp Genetics (formerly Invitae), Labcorp
Classification: Uncertain significance. Last evaluated: 2024-10-26. Review status: criteria provided, single submitter. Criteria: Invitae Variant Classification Sherloc (09022015). Collection method: clinical testing. Allele origin: germline.
Comment: This sequence change replaces glutamine, which is neutral and polar, with arginine, which is basic and polar, at codon 220 of the RGS9 protein (p.Gln220Arg). This variant is present in population databases (rs762618673, gnomAD 0.0009%). This variant has not been reported in the literature in individuals affected with RGS9-related conditions. ClinVar contains an entry for this variant (Variation ID: 1391173). Invitae Evidence Modeling of protein sequence and biophysical properties (such as structural, functional, and spatial information, amino acid conservation, physicochemical variation, residue mobility, and thermodynamic stability) indicates that this missense variant is not expected to disrupt RGS9 protein function with a negative predictive value of 80%. In summary, the available evidence is currently insufficient to determine the role of this variant in disease. Therefore, it has been classified as a Variant of Uncertain Significance.

NM_003835.4(RGS9):c.659A>G (p.Gln220Arg)

Gene: RGS9 (regulator of G protein signaling 9; plus strand). Cytogenetic location: 17q24.1.
Variant type: single nucleotide variant.
Coding change: c.659A>G on transcript NM_003835.4 (MANE Select); coding-DNA position 659, A replaced by G.
Protein change: p.Gln220Arg; replaces glutamine 220 with arginine.
Molecular consequence: missense variant.
Genome position (GRCh38, 1-based): chr17:65,189,290, A>G. VCF-style: chr17-65189290-A-G. GRCh37 (hg19) VCF-style: chr17-63185408-A-G.
Other names: c.650A>G, p.Gln217Arg (NM_001081955.3, NM_001165933.2); short protein forms Q217R, Q220R.
Identifiers: ClinVar variation 1391173 (VCV001391173.6), dbSNP rs762618673, ClinGen allele CA8717776.